The following is an entry in ClinVar:

ClinVar aggregate classification (germline): Likely benign. Review status: criteria provided, multiple submitters, no conflicts (2 of 4 stars). 3 submissions from 3 submitters: Likely benign (2). 1 of the submissions does not count toward it. Last evaluated 2024-09-17.

Conditions:
Melnick-Fraser syndrome (BOR). Also called: Branchio-oto-renal syndrome; Branchiootorenal Syndrome (BORS); Branchiootorenal syndrome. Identifiers: Orphanet 107, MedGen C0265234, MONDO:0007029.
EYA1-related disorder. Also called: EYA1-related condition.

Allele frequency attached by ClinVar (database versions not stated): gnomAD exomes 0.00002 and 0.00005; gnomAD 0.00003 and 0.00004; TOPMed 0.00003; ExAC 0.00004; 1000 Genomes Project 30x 0.00016; 1000 Genomes Project 0.00020.
gnomAD v4.1: 35 of 1,614,094 alleles (0.0022%); highest among the groups gnomAD compares: Admixed American, 0.015%; no homozygotes.

Submissions (3):

Labcorp Genetics (formerly Invitae), Labcorp
Classification: Likely benign for Melnick-Fraser syndrome. Last evaluated: 2024-09-17. Review status: criteria provided, single submitter. Criteria: Invitae Variant Classification Sherloc (09022015). Collection method: clinical testing. Allele origin: germline.

GeneDx
Classification: Likely benign. Last evaluated: 2020-07-28. Review status: criteria provided, single submitter. Criteria: GeneDx Variant Classification Process June 2021. Collection method: clinical testing. Allele origin: germline. Affected: yes.

PreventionGenetics, part of Exact Sciences
Classification: Likely benign for EYA1-related condition. Last evaluated: 2019-07-17. Review status: no assertion criteria provided. Collection method: clinical testing. Allele origin: germline. Not counted in ClinVar's aggregate classification.
Comment: This variant is classified as likely benign based on ACMG/AMP sequence variant interpretation guidelines (Richards et al. 2015 PMID: 25741868, with internal and published modifications).

NM_000503.6(EYA1):c.678C>T (p.Tyr226=)

Gene: EYA1 (EYA transcriptional coactivator and phosphatase 1; minus strand). Cytogenetic location: 8q13.3.
Variant type: single nucleotide variant.
Coding change: c.678C>T on transcript NM_000503.6 (MANE Select); coding-DNA position 678, C replaced by T.
Protein change: p.Tyr226=; no amino-acid change (tyrosine 226 retained).
Molecular consequence: synonymous variant.
Genome position (GRCh38, 1-based): chr8:71,299,195, G>A on the plus strand (C>T on the coding strand, the complement: EYA1 is on the minus strand). VCF-style: chr8-71299195-G-A. GRCh37 (hg19) VCF-style: chr8-72211430-G-A.
Other names: c.660C>T, p.Tyr220= (NM_001288574.2); c.312C>T, p.Tyr104= (NM_001288575.2); c.765C>T, p.Tyr255= (NM_001370333.1); c.678C>T, p.Tyr226= (NM_001370334.1, NM_001370335.1, NM_172058.4); c.747C>T, p.Tyr249= (NM_001370336.1); c.750C>T, p.Tyr250= (NM_172059.5); c.678C>T (NM_172058.3).
Identifiers: ClinVar variation 1200303 (VCV001200303.7), dbSNP rs529483320, ClinGen allele CA4779688.